The following is an entry in ClinVar:

ClinVar aggregate classification (germline): Likely pathogenic. Review status: criteria provided, multiple submitters, no conflicts (2 of 4 stars). 2 submissions from 2 submitters: Likely pathogenic (2). Last evaluated 2025-07-18.

Conditions:
Sandhoff disease. Also called: GM2-GANGLIOSIDOSIS, TYPE II; HEXOSAMINIDASES A AND B DEFICIENCY; Beta-hexosaminidase-beta-subunit deficiency; GM2 gangliosidosis, type 2; Total hexosaminidase deficiency; Sandhoff-Jatzkewitz-Pilz disease. Identifiers: Orphanet 796, MedGen C0036161, MONDO:0010006, OMIM 268800.

Allele frequency attached by ClinVar (database versions not stated): TOPMed 0.00001; gnomAD 0.00002; gnomAD exomes 0.00002.
gnomAD v4.1: 10 of 1,613,302 alleles (0.00062%); highest among the groups gnomAD compares: Admixed American, 0.005%; no homozygotes.

Submissions (2):

Labcorp Genetics (formerly Invitae), Labcorp
Classification: Likely pathogenic for Sandhoff disease. Last evaluated: 2025-07-18. Review status: criteria provided, single submitter. Criteria: Invitae Variant Classification Sherloc (09022015). Collection method: clinical testing. Allele origin: germline.
Comment: This sequence change replaces arginine, which is basic and polar, with glutamine, which is neutral and polar, at codon 284 of the HEXB protein (p.Arg284Gln). This variant is present in population databases (no rsID available, gnomAD 0.009%). This missense change has been observed in individual(s) with HEXB-related conditions (PMID: 19898952). ClinVar contains an entry for this variant (Variation ID: 1328997). Invitae Evidence Modeling of protein sequence and biophysical properties (such as structural, functional, and spatial information, amino acid conservation, physicochemical variation, residue mobility, and thermodynamic stability) indicates that this missense variant is expected to disrupt HEXB protein function with a positive predictive value of 95%. In summary, the currently available evidence indicates that the variant is pathogenic, but additional data are needed to prove that conclusively. Therefore, this variant has been classified as Likely Pathogenic.

Women's Health and Genetics/Laboratory Corporation of America, LabCorp
Classification: Likely pathogenic for Sandhoff disease. Last evaluated: 2021-11-24. Review status: criteria provided, single submitter. Criteria: LabCorp Variant Classification Summary - May 2015. Collection method: clinical testing. Allele origin: germline.
Comment: Variant summary: HEXB c.851G>A (p.Arg284Gln) results in a conservative amino acid change located in the Glycoside hydrolase family 20, catalytic domain (IPR015883) of the encoded protein sequence. Four of five in-silico tools predict a damaging effect of the variant on protein function. The variant allele was found at a frequency of 1.6e-05 in 251470 control chromosomes. c.851G>A has been reported in the literature as a homozygous genotype in at-least one individual affected with Juvenile onset Sandhoff Disease and has been subsequently cited by others (example, Wortmann_2009, Sobek_2012, Mahdieh_2018, Ou_2019). These data indicate that the variant may be associated with disease. At least one publication reports experimental evidence evaluating an impact on protein function. The most pronounced variant effect results in <10-20% of normal total Hexosaminidase and Hexosaminidase A enzyme activity in leukocytes, plasma and fibroblasts from the affected homozygous individual ascertained above (Wortmann_2009). No clinical diagnostic laboratories have submitted clinical-significance assessments for this variant to ClinVar after 2014. Based on the evidence outlined above, the variant was classified as likely pathogenic.

Literature cited by the submitters: PubMed 19898952 (cited by Labcorp Genetics (formerly Invitae), Labcorp and Women's Health and Genetics/Laboratory Corporation of America, LabCorp); PubMed 23010210 (cited by Women's Health and Genetics/Laboratory Corporation of America, LabCorp); PubMed 29448188 (cited by Women's Health and Genetics/Laboratory Corporation of America, LabCorp); PubMed 31367523 (cited by Women's Health and Genetics/Laboratory Corporation of America, LabCorp).

NM_000521.4(HEXB):c.851G>A (p.Arg284Gln)

Gene: HEXB (hexosaminidase subunit beta; plus strand). Cytogenetic location: 5q13.3.
Variant type: single nucleotide variant.
Coding change: c.851G>A on transcript NM_000521.4 (MANE Select); coding-DNA position 851, G replaced by A.
Protein change: p.Arg284Gln; replaces arginine 284 with glutamine.
Molecular consequence: missense variant.
Genome position (GRCh38, 1-based): chr5:74,713,585, G>A. VCF-style: chr5-74713585-G-A. GRCh37 (hg19) VCF-style: chr5-74009410-G-A.
Other names: c.176G>A, p.Arg59Gln (NM_001292004.2); short protein forms R284Q, R59Q.
Identifiers: ClinVar variation 1328997 (VCV001328997.4), dbSNP rs1352786910, ClinGen allele CA360067122.
Genomic context (GRCh38, chr5:74,713,585, plus strand): 5'-ATGTTTATACACCAAATGATGTCCGTATGGTGATTGAATATGCCAGATTACGAGGAATTC[G>A]AGTCCTGCCAGAATTTGATACCCCTGGGCATACACTATCTTGGGGAAAAGGTAAGGAGTT-3'
Protein context (NP_000512.2, residues 274-294): VIEYARLRGI[Arg284Gln]VLPEFDTPGH